The following is an entry in ClinVar:

ClinVar aggregate classification (germline): Likely benign. Review status: criteria provided, multiple submitters, no conflicts (2 of 4 stars). 3 submissions from 3 submitters: Likely benign (2). 1 of the submissions does not count toward it. Last evaluated 2026-01-25.

Conditions:
Brugada syndrome. Also called: Sudden unexplained nocturnal death syndrome; Sudden Unexplained Death Syndrome; Sudden Unexplained Nocturnal Death Syndrome (SUNDS); Sudden unexpected nocturnal death syndrome. Identifiers: Orphanet 130, MedGen C1142166, MONDO:0015263.
SLMAP-related disorder. Also called: SLMAP-related condition.

Allele frequency attached by ClinVar (database versions not stated): ExAC 0.00005; gnomAD exomes 0.00005 and 0.00006; gnomAD 0.00009; TOPMed 0.00009.
gnomAD v4.1: 91 of 1,613,732 alleles (0.0056%); highest among the groups gnomAD compares: African/African-American, 0.012%; 1 homozygote.

Submissions (3):

Labcorp Genetics (formerly Invitae), Labcorp
Classification: Likely benign for Brugada syndrome. Last evaluated: 2026-01-25. Review status: criteria provided, single submitter. Criteria: Invitae Variant Classification Sherloc (09022015). Collection method: clinical testing. Allele origin: germline.

Ambry Genetics
Classification: Likely benign. Last evaluated: 2020-08-21. Review status: criteria provided, single submitter. Criteria: Ambry Variant Classification Scheme 2023. Collection method: clinical testing. Allele origin: germline.

PreventionGenetics, part of Exact Sciences
Classification: Likely benign for SLMAP-related condition. Last evaluated: 2021-05-05. Review status: no assertion criteria provided. Collection method: clinical testing. Allele origin: germline. Not counted in ClinVar's aggregate classification.
Comment: This variant is classified as likely benign based on ACMG/AMP sequence variant interpretation guidelines (Richards et al. 2015 PMID: 25741868, with internal and published modifications).

NM_001377540.1(SLMAP):c.564G>A (p.Thr188=)

Gene: SLMAP (sarcolemma associated protein; plus strand). Cytogenetic location: 3p14.3.
Variant type: single nucleotide variant.
Coding change: c.564G>A on transcript NM_001377540.1 (MANE Select); coding-DNA position 564, G replaced by A.
Protein change: p.Thr188=; no amino-acid change (threonine 188 retained).
Molecular consequence: synonymous variant. On other transcripts: non-coding transcript variant (1).
Genome position (GRCh38, 1-based): chr3:57,857,777, G>A. VCF-style: chr3-57857777-G-A. GRCh37 (hg19) VCF-style: chr3-57843504-G-A.
Other names: c.564G>A, p.Thr188= (NM_001304420.3, NM_001304421.2, NM_001377538.1 and 17 more transcripts); c.564G>A (NM_007159.4).
Identifiers: ClinVar variation 1133382 (VCV001133382.11), dbSNP rs770331240, ClinGen allele CA2466875.
Genomic context (GRCh38, chr3:57,857,777, plus strand): 5'-TGATTTGTAATACTAGGAGGCCTTACATCGGGAACAAATGTTGGAACAGAAGTTAGCCAC[G>A]CTTCAGCGGCTACTAGCCATCACCCAAGAGGCTTCAGATACCAGTTGGCAGGTATTCCAG-3'
Protein context (NP_001364469.1, residues 178-198): REQMLEQKLA[Thr188=]LQRLLAITQE